The following is an entry in ClinVar:

NM_001999.4(FBN2):c.2428+1G>T

Gene: FBN2 (fibrillin 2; minus strand). Cytogenetic location: 5q23.3.
Variant type: single nucleotide variant.
Coding change: c.2428+1G>T on transcript NM_001999.4 (MANE Select); the canonical splice donor site of the intron after coding-DNA position 2428, G replaced by T.
Molecular consequence: splice donor variant.
Genome position (GRCh38, 1-based): chr5:128,364,599, C>A on the plus strand (G>T on the coding strand, the complement: FBN2 is on the minus strand). VCF-style: chr5-128364599-C-A. GRCh37 (hg19) VCF-style: chr5-127700292-C-A.
Identifiers: ClinVar variation 836387 (VCV000836387.8), dbSNP rs1751719964, ClinGen allele CA360768194.

ClinVar aggregate classification (germline): Uncertain significance (1 of 4 stars; one submission).

Conditions:
Congenital contractural arachnodactyly (CCA). Also called: BEALS SYNDROME; Beals-Hecht syndrome; Arthrogryposis, distal, type 9. Identifiers: Orphanet 115, MedGen C0220668, MONDO:0007363, OMIM 121050.

Submission:

Labcorp Genetics (formerly Invitae), Labcorp
Classification: Uncertain significance for Congenital contractural arachnodactyly. Last evaluated: 2019-11-26. Review status: criteria provided, single submitter. Criteria: Invitae Variant Classification Sherloc (09022015). Collection method: clinical testing. Allele origin: germline.
Comment: In summary, the available evidence is currently insufficient to determine the role of this variant in disease. Therefore, it has been classified as a Variant of Uncertain Significance. The current clinical and genetic evidence is not sufficient to establish whether loss-of-function variants in FBN2 cause disease. Algorithms developed to predict the effect of sequence changes on RNA splicing suggest that this variant may disrupt the consensus splice site, but this prediction has not been confirmed by published transcriptional studies. This variant has not been reported in the literature in individuals with FBN2-related conditions. This variant is not present in population databases (ExAC no frequency). This sequence change affects a donor splice site in intron 18 of the FBN2 gene. It is expected to disrupt RNA splicing and likely results in an absent or disrupted protein product.